The following is an entry in ClinVar:

ClinVar aggregate classification (germline): Uncertain significance. Review status: criteria provided, multiple submitters, no conflicts (2 of 4 stars). 2 submissions from 2 submitters: Uncertain significance (2). Last evaluated 2025-03-17.

Conditions:
Mucopolysaccharidosis, MPS-III-C (MPS3C). Also called: SANFILIPPO SYNDROME C; MPS III C; mucopolysaccharidosis type 3C; MUCOPOLYSACCHARIDOSIS, TYPE IIIC; MPS IIIC (Sanfilippo Syndrome Type C); Mucopolysaccharidosis type IIIC (Sanfilippo C). Identifiers: Orphanet 581, Orphanet 79271, MedGen C0086649, MONDO:0009657, OMIM 252930.
Retinitis pigmentosa 73 (RP73). Identifiers: Orphanet 791, MedGen C4225287, MONDO:0014687, OMIM 616544.

Submissions (2):

Labcorp Genetics (formerly Invitae), Labcorp
Classification: Uncertain significance for Retinitis pigmentosa 73; Mucopolysaccharidosis, MPS-III-C. Last evaluated: 2025-03-17. Review status: criteria provided, single submitter. Criteria: Invitae Variant Classification Sherloc (09022015). Collection method: clinical testing. Allele origin: germline.
Comment: This variant, c.1185_1196del, results in the deletion of 4 amino acid(s) of the HGSNAT protein (p.Ile396_Leu399del), but otherwise preserves the integrity of the reading frame. This variant is not present in population databases (gnomAD no frequency). This variant has not been reported in the literature in individuals affected with HGSNAT-related conditions. ClinVar contains an entry for this variant (Variation ID: 2100178). Experimental studies and prediction algorithms are not available or were not evaluated, and the functional significance of this variant is currently unknown. In summary, the available evidence is currently insufficient to determine the role of this variant in disease. Therefore, it has been classified as a Variant of Uncertain Significance.

Blueprint Genetics
Classification: Uncertain significance. Last evaluated: 2022-03-06. Review status: criteria provided, single submitter. Criteria: ACMG Guidelines, 2015. Collection method: clinical testing. Allele origin: germline.

NM_152419.3(HGSNAT):c.1185_1196del (p.Ile396_Leu399del)

Gene: HGSNAT (heparan-alpha-glucosaminide N-acetyltransferase; plus strand). Cytogenetic location: 8p11.21.
Variant type: Deletion.
Coding change: c.1185_1196del on transcript NM_152419.3 (MANE Select); coding-DNA positions 1185 to 1196, 12 bases deleted (CATCCTGGTGCT).
Protein change: p.Ile396_Leu399del.
Molecular consequence: inframe deletion.
Genome position (GRCh38, 1-based): chr8:43,191,530-43,191,541, CATCCTGGTGCT deleted; deleting any 12 consecutive bases within chr8:43,191,526-43,191,541 gives the same sequence; the c. name uses the placement nearest the transcript's 3' end. VCF-style (leftmost placement, unchanged base first): chr8-43191525-CTGCTCATCCTGG-C. GRCh37 (hg19) VCF-style: chr8-43046668-CTGCTCATCCTGG-C.
Other names: c.1185_1196del, p.Ile396_Leu399del (NM_001363227.2); c.993_1004del, p.Ile332_Leu335del (NM_001363228.2); c.321_332del, p.Ile108_Leu111del (NM_001363229.2).
Identifiers: ClinVar variation 2100178 (VCV002100178.5), dbSNP rs2487083513, ClinGen allele CA2580078326.
Genomic context (GRCh38, chr8:43,191,525, plus strand): 5'-CCCACTCAGGAGAGGAGCTGCCTTTCTCTTCGAGACATCACGTCCAGCTGGCCCCAGTGG[CTGCTCATCCTGG>C]TGCTGGAAGGCCTGTGGCTGGGCTTGACATTCCTCCTGCCAGTCCCTGGGTGCCCTACGT-3'